The following is an entry in ClinVar:

ClinVar aggregate classification (germline): Likely benign (0 of 4 stars; one submission).

Conditions:
CALCR-related disorder. Also called: CALCR-related condition.

Allele frequency attached by ClinVar (database versions not stated): 1000 Genomes Project 0.00100; 1000 Genomes Project 30x 0.00125; ESP Exome Variant Server 0.00192.
gnomAD v4.1: 5,262 of 1,613,848 alleles (0.33%); highest among the groups gnomAD compares: Non-Finnish European, 0.41%; 13 homozygotes.

Submission:

PreventionGenetics, part of Exact Sciences
Classification: Likely benign for CALCR-related condition. Last evaluated: 2019-06-06. Review status: no assertion criteria provided. Collection method: clinical testing. Allele origin: germline.
Comment: This variant is classified as likely benign based on ACMG/AMP sequence variant interpretation guidelines (Richards et al. 2015 PMID: 25741868, with internal and published modifications).

NM_001742.4(CALCR):c.1369G>A (p.Glu457Lys)

Gene: CALCR (calcitonin receptor; minus strand). Cytogenetic location: 7q21.3.
Variant type: single nucleotide variant.
Coding change: c.1369G>A on transcript NM_001742.4 (MANE Select); coding-DNA position 1369, G replaced by A.
Protein change: p.Glu457Lys; replaces glutamic acid 457 with lysine.
Molecular consequence: missense variant.
Genome position (GRCh38, 1-based): chr7:93,426,412, C>T on the plus strand (G>A on the coding strand, the complement: CALCR is on the minus strand). VCF-style: chr7-93426412-C-T. GRCh37 (hg19) VCF-style: chr7-93055724-C-T.
Other names: c.1417G>A, p.Glu473Lys (NM_001164737.3); c.1369G>A, p.Glu457Lys (NM_001164738.2); short protein forms E457K, E473K.
Identifiers: ClinVar variation 3043898 (VCV003043898.2), dbSNP rs147503225, ClinGen allele CA4345260.